The following is an entry in ClinVar:

ClinVar aggregate classification (germline): Conflicting classifications of pathogenicity. Review status: criteria provided, conflicting classifications (1 of 4 stars). 3 submissions from 3 submitters: Uncertain significance (2); Likely benign (1). Last evaluated 2025-12-21.

Conditions:
Familial adenomatous polyposis 2. Also called: COLORECTAL ADENOMATOUS POLYPOSIS, AUTOSOMAL RECESSIVE; ADENOMAS, MULTIPLE COLORECTAL, AUTOSOMAL RECESSIVE; MUTYH-associated polyposis; MUTYH-related attenuated familial adenomatous polyposis; MUTYH Polyposis; Adenomas, multiple colorectal. Identifiers: Orphanet 220460, Orphanet 247798, MedGen C3272841, MONDO:0012041, OMIM 608456.

Allele frequency attached by ClinVar (database versions not stated): gnomAD exomes below 0.00001.
gnomAD v4.1: 1 of 1,601,356 alleles (0.000062%); highest among the groups gnomAD compares: Non-Finnish European, 0.000085%; no homozygotes.

Submissions (3):

Labcorp Genetics (formerly Invitae), Labcorp
Classification: Likely benign for Familial adenomatous polyposis 2. Last evaluated: 2025-12-21. Review status: criteria provided, single submitter. Criteria: Invitae Variant Classification Sherloc (09022015). Collection method: clinical testing. Allele origin: germline.

All of Us Research Program, National Institutes of Health
Classification: Uncertain significance for Familial adenomatous polyposis 2. Last evaluated: 2024-08-13. Review status: criteria provided, single submitter. Criteria: ACMG Guidelines, 2015. Collection method: clinical testing. Allele origin: germline. Inheritance: Autosomal recessive inheritance. Observed: 2 variant alleles, 2 heterozygotes.
Comment: This variant causes a T to G nucleotide substitution at the -10 position of intron 2 of the MUTYH gene. To our knowledge, functional studies have not been reported for this variant. This variant has not been reported in individuals affected with MUTYH-related disorders in the literature. This variant has not been identified in the general population by the Genome Aggregation Database (gnomAD). The available evidence is insufficient to determine the role of this variant in disease conclusively. Therefore, this variant is classified as a Variant of Uncertain Significance.

This study involves interpretation of variants in research participants for the purpose of population health screening. Participant phenotype was not available at the time of variant classification. Additional details can be found in publication PMID: 35346344, PMCID: PMC8962531

Quest Diagnostics Nichols Institute San Juan Capistrano
Classification: Uncertain significance. Last evaluated: 2018-06-21. Review status: criteria provided, single submitter. Criteria: Quest Diagnostics criteria. Collection method: clinical testing. Allele origin: germline.

NM_001048174.2(MUTYH):c.116-52T>G

Gene: MUTYH (mutY DNA glycosylase; minus strand). Cytogenetic location: 1p34.1.
Variant type: single nucleotide variant.
Coding change: c.116-52T>G on transcript NM_001048174.2 (MANE Select); 52 bases into the intron before coding-DNA position 116, T replaced by G.
Molecular consequence: intron variant.
Genome position (GRCh38, 1-based): chr1:45,333,613, A>C on the plus strand (T>G on the coding strand, the complement: MUTYH is on the minus strand). VCF-style: chr1-45333613-A-C. GRCh37 (hg19) VCF-style: chr1-45799285-A-C.
Other names: c.-92-116T>G (NM_001350651.2); c.-97-116T>G (NM_001293192.2, NM_001293196.2); c.-156-52T>G (NM_001350650.2); c.116-52T>G (NM_001048171.2, NM_001048173.2, NM_001293195.2); c.158-49T>G (NM_001293190.2); c.158-19T>G (NM_012222.3); c.158-10T>G (NM_001128425.2); c.116-49T>G (NM_001048172.2); and 1 more.
Identifiers: ClinVar variation 619880 (VCV000619880.12), dbSNP rs1557488140, ClinGen allele CA913189317.